The following is an entry in ClinVar:

ClinVar aggregate classification (germline): Conflicting classifications of pathogenicity. Review status: criteria provided, conflicting classifications (1 of 4 stars). 3 submissions from 3 submitters: Uncertain significance (2); Likely benign (1). Last evaluated 2024-11-19.

Conditions:
Autosomal recessive limb-girdle muscular dystrophy type 2Q (LGMDR17). Also called: MUSCULAR DYSTROPHY, LIMB-GIRDLE, AUTOSOMAL RECESSIVE 17. Identifiers: Orphanet 254361, MedGen C3150989, MONDO:0013390, OMIM 613723.
Epidermolysis bullosa simplex 5C, with pyloric atresia (EBS5C). Also called: PLEC-Related Epidermolysis Bullosa with Pyloric Atresia; Epidermolysis bullosa simplex with pyloric atresia; PLEC1-Related Epidermolysis Bullosa with Pyloric Atresia. Identifiers: Orphanet 158684, MedGen C2677349, MONDO:0012807, OMIM 612138.
Epidermolysis bullosa simplex, Ogna type (EBS5A). Also called: Pidermolysis bullosa simplex 5A, Ogna type; EPIDERMOLYSIS BULLOSA SIMPLEX 5A, OGNA TYPE. Identifiers: Orphanet 79401, MedGen C0432317, MONDO:0007555, OMIM 131950.
Epidermolysis bullosa simplex 5B, with muscular dystrophy (EBS5B). Also called: EPIDERMOLYSIS BULLOSA SIMPLEX AND LIMB-GIRDLE MUSCULAR DYSTROPHY; Epidermolysis bullosa simplex with muscular dystrophy. Identifiers: Orphanet 257, MedGen C2931072, MONDO:0009181, OMIM 226670.
Epidermolysis bullosa simplex with nail dystrophy (EBS5D). Identifiers: MedGen C4225309, MONDO:0014661, OMIM 616487.

Allele frequency attached by ClinVar (database versions not stated): gnomAD exomes 0.00006 and 0.00016; ExAC 0.00008; ESP Exome Variant Server 0.00008; TOPMed 0.00020; gnomAD 0.00021 and 0.00023.
gnomAD v4.1: 113 of 1,598,880 alleles (0.0071%); highest among the groups gnomAD compares: Admixed American, 0.12%; no homozygotes.

Submissions (3):

Labcorp Genetics (formerly Invitae), Labcorp
Classification: Uncertain significance for Autosomal recessive limb-girdle muscular dystrophy type 2Q; Epidermolysis bullosa simplex, Ogna type; Epidermolysis bullosa simplex with nail dystrophy; Epidermolysis bullosa simplex 5C, with pyloric atresia; Epidermolysis bullosa simplex 5B, with muscular dystrophy. Last evaluated: 2024-11-19. Review status: criteria provided, single submitter. Criteria: Invitae Variant Classification Sherloc (09022015). Collection method: clinical testing. Allele origin: germline.
Comment: This sequence change replaces glycine, which is neutral and non-polar, with glutamic acid, which is acidic and polar, at codon 1938 of the PLEC protein (p.Gly1938Glu). This variant is present in population databases (rs377030479, gnomAD 0.1%). This variant has not been reported in the literature in individuals affected with PLEC-related conditions. ClinVar contains an entry for this variant (Variation ID: 471614). Experimental studies and prediction algorithms are not available or were not evaluated, and the functional significance of this variant is currently unknown. In summary, the available evidence is currently insufficient to determine the role of this variant in disease. Therefore, it has been classified as a Variant of Uncertain Significance.

Blueprint Genetics
Classification: Likely benign. Last evaluated: 2023-06-28. Review status: criteria provided, single submitter. Criteria: ACMG Guidelines, 2015. Collection method: clinical testing. Allele origin: germline.

Athena Diagnostics
Classification: Uncertain significance. Last evaluated: 2019-04-10. Review status: criteria provided, single submitter. Criteria: Athena Diagnostics Criteria. Collection method: clinical testing. Allele origin: germline.

NM_201384.3(PLEC):c.5732G>A (p.Gly1911Glu)

Gene: PLEC (plectin; minus strand). Cytogenetic location: 8q24.3.
Variant type: single nucleotide variant.
Coding change: c.5732G>A on transcript NM_201384.3 (MANE Select); coding-DNA position 5732, G replaced by A.
Protein change: p.Gly1911Glu; replaces glycine 1911 with glutamic acid.
Molecular consequence: missense variant.
Genome position (GRCh38, 1-based): chr8:143,924,197, C>T on the plus strand (G>A on the coding strand, the complement: PLEC is on the minus strand). VCF-style: chr8-143924197-C-T. GRCh37 (hg19) VCF-style: chr8-144998365-C-T.
Other names: c.5813G>A, p.Gly1938Glu (NM_000445.5); c.5690G>A, p.Gly1897Glu (NM_201378.4); c.5666G>A, p.Gly1889Glu (NM_201379.3); c.6143G>A, p.Gly2048Glu (NM_201380.4); c.5636G>A, p.Gly1879Glu (NM_201381.3); c.5732G>A, p.Gly1911Glu (NM_201382.4); c.5744G>A, p.Gly1915Glu (NM_201383.3); short protein forms G1889E, G1911E, G1938E, G1879E, G1897E, G1915E, G2048E.
Identifiers: ClinVar variation 471614 (VCV000471614.12), dbSNP rs377030479, ClinGen allele CA4926260.